The following is an entry in ClinVar:

ClinVar aggregate classification (germline): Conflicting classifications of pathogenicity. Review status: criteria provided, conflicting classifications (1 of 4 stars). 2 submissions from 2 submitters: Uncertain significance (1); Likely benign (1). Last evaluated 2025-08-04.

Conditions:
Hereditary cancer-predisposing syndrome. Also called: Hereditary Cancer Syndrome; Tumor predisposition; Hereditary neoplastic syndrome; Neoplastic Syndromes, Hereditary. Identifiers: Orphanet 140162, MedGen C0027672, MeSH D009386, MONDO:0015356.
EGFR-related lung cancer (EGFR). Identifiers: MedGen CN130014.

Submissions (2):

Labcorp Genetics (formerly Invitae), Labcorp
Classification: Uncertain significance for EGFR-related lung cancer. Last evaluated: 2025-08-04. Review status: criteria provided, single submitter. Criteria: Invitae Variant Classification Sherloc (09022015). Collection method: clinical testing. Allele origin: germline.
Comment: This sequence change replaces methionine, which is neutral and non-polar, with leucine, which is neutral and non-polar, at codon 137 of the EGFR protein (p.Met137Leu). This variant is not present in population databases (gnomAD no frequency). This variant has not been reported in the literature in individuals affected with EGFR-related conditions. ClinVar contains an entry for this variant (Variation ID: 1042326). An algorithm developed to predict the effect of missense changes on protein structure and function outputs the following: PolyPhen-2: "Benign". The leucine amino acid residue is found in multiple mammalian species, which suggests that this missense change does not adversely affect protein function. In summary, the available evidence is currently insufficient to determine the role of this variant in disease. Therefore, it has been classified as a Variant of Uncertain Significance.

Ambry Genetics
Classification: Likely benign for Hereditary cancer-predisposing syndrome. Last evaluated: 2025-07-03. Review status: criteria provided, single submitter. Criteria: Ambry Variant Classification Scheme 2023. Collection method: clinical testing. Allele origin: germline.

NM_005228.5(EGFR):c.409A>T (p.Met137Leu)

Gene: EGFR (epidermal growth factor receptor; plus strand). Cytogenetic location: 7p11.2.
Variant type: single nucleotide variant.
Coding change: c.409A>T on transcript NM_005228.5 (MANE Select); coding-DNA position 409, A replaced by T.
Protein change: p.Met137Leu; replaces methionine 137 with leucine.
Molecular consequence: missense variant. On other transcripts: intron variant (1).
Genome position (GRCh38, 1-based): chr7:55,143,473, A>T. VCF-style: chr7-55143473-A-T. GRCh37 (hg19) VCF-style: chr7-55211166-A-T.
Other names: c.409A>T (NM_005228.3); c.409A>T, p.Met137Leu (NM_001346897.2, NM_001346898.2, NM_001346899.2 and 3 more transcripts); c.250A>T, p.Met84Leu (NM_001346900.2); c.89-12357A>T (NM_001346941.2); short protein forms M84L, M137L.
Identifiers: ClinVar variation 1042326 (VCV001042326.7), dbSNP rs754854319, ClinGen allele CA367575984.